The following is an entry in ClinVar:

NM_001244926.2(PRPF4):c.1093A>G (p.Met365Val)

Gene: PRPF4 (pre-mRNA splicing tri-snRNP complex factor PRPF4; plus strand). Cytogenetic location: 9q32.
Variant type: single nucleotide variant.
Coding change: c.1093A>G on transcript NM_001244926.2 (MANE Select); coding-DNA position 1093, A replaced by G.
Protein change: p.Met365Val; replaces methionine 365 with valine.
Molecular consequence: missense variant. On other transcripts: non-coding transcript variant (2).
Genome position (GRCh38, 1-based): chr9:113,290,536, A>G. VCF-style: chr9-113290536-A-G. GRCh37 (hg19) VCF-style: chr9-116052816-A-G.
Other names: c.367A>G, p.Met123Val (NM_001322267.2, NM_001322266.2); c.1096A>G, p.Met366Val (NM_004697.5); short protein forms M123V, M365V, M366V.
Identifiers: ClinVar variation 1058254 (VCV001058254.7), dbSNP rs757227440, ClinGen allele CA5195088.
Genomic context (GRCh38, chr9:113,290,536, plus strand): 5'-TCATGGCGCTTATGGGATTTGGAGGCTCAAGAGGAGATCCTGCATCAGGAAGGCCATAGC[A>G]TGGGTGTGTATGACATTGCCTTCCATCAAGATGGCTCTTTGGCTGGCACTGGGTAAGGCT-3'
Protein context (NP_001231855.1, residues 355-375): EEILHQEGHS[Met365Val]GVYDIAFHQD

ClinVar aggregate classification (germline): Uncertain significance (1 of 4 stars; one submission).

Allele frequency attached by ClinVar (database versions not stated): gnomAD 0.00001; ExAC 0.00002; gnomAD exomes 0.00003.
gnomAD v4.1: 15 of 1,614,078 alleles (0.00093%); highest among the groups gnomAD compares: Admixed American, 0.02%; no homozygotes.

Submission:

Labcorp Genetics (formerly Invitae), Labcorp
Classification: Uncertain significance. Last evaluated: 2024-12-09. Review status: criteria provided, single submitter. Criteria: Invitae Variant Classification Sherloc (09022015). Collection method: clinical testing. Allele origin: germline.
Comment: This sequence change replaces methionine, which is neutral and non-polar, with valine, which is neutral and non-polar, at codon 366 of the PRPF4 protein (p.Met366Val). This variant is present in population databases (rs757227440, gnomAD 0.01%). This variant has not been reported in the literature in individuals affected with PRPF4-related conditions. ClinVar contains an entry for this variant (Variation ID: 1058254). An algorithm developed to predict the effect of missense changes on protein structure and function (PolyPhen-2) suggests that this variant is likely to be tolerated. In summary, the available evidence is currently insufficient to determine the role of this variant in disease. Therefore, it has been classified as a Variant of Uncertain Significance.